The following is an entry in ClinVar:

NM_000186.4(CFH):c.44T>C (p.Ile15Thr)

Gene: CFH (complement factor H; plus strand). Cytogenetic location: 1q31.3.
Variant type: single nucleotide variant.
Coding change: c.44T>C on transcript NM_000186.4 (MANE Select); coding-DNA position 44, T replaced by C.
Protein change: p.Ile15Thr; replaces isoleucine 15 with threonine.
Molecular consequence: missense variant.
Genome position (GRCh38, 1-based): chr1:196,652,161, T>C. VCF-style: chr1-196652161-T-C. GRCh37 (hg19) VCF-style: chr1-196621291-T-C.
Other names: c.44T>C, p.Ile15Thr (NM_001014975.3); c.44T>C (NM_000186.3); short protein forms I15T.
Identifiers: ClinVar variation 1060566 (VCV001060566.11), dbSNP rs768874309, ClinGen allele CA1304913.
Genomic context (GRCh38, chr1:196,652,161, plus strand): 5'-CTTAAAAGATCCAAAAAATGAGACTTCTAGCAAAGATTATTTGCCTTATGTTATGGGCTA[T>C]TTGTGTAGCAGAAGGTAAGATTAAAAGAGACTCTTTTCTGAAAACTGTATTATGAAACAT-3'
Protein context (NP_000177.2, residues 5-25): AKIICLMLWA[Ile15Thr]CVAEDCNELP

ClinVar aggregate classification (germline): Conflicting classifications of pathogenicity. Review status: criteria provided, conflicting classifications (1 of 4 stars). 2 submissions from 2 submitters: Uncertain significance (1); Likely benign (1). Last evaluated 2026-01-06.

Conditions:
Inborn genetic diseases. Identifiers: MedGen C0950123, MeSH D030342.

Allele frequency attached by ClinVar (database versions not stated): ExAC 0.00001; gnomAD 0.00001; gnomAD exomes 0.00001 and 0.00003; TOPMed 0.00002.
gnomAD v4.1: 10 of 1,611,526 alleles (0.00062%); highest among the groups gnomAD compares: East Asian, 0.018%; no homozygotes.

Submissions (2):

Labcorp Genetics (formerly Invitae), Labcorp
Classification: Uncertain significance. Last evaluated: 2026-01-06. Review status: criteria provided, single submitter. Criteria: Invitae Variant Classification Sherloc (09022015). Collection method: clinical testing. Allele origin: germline.
Comment: This sequence change replaces isoleucine, which is neutral and non-polar, with threonine, which is neutral and polar, at codon 15 of the CFH protein (p.Ile15Thr). This variant is present in population databases (rs768874309, gnomAD 0.04%). This variant has not been reported in the literature in individuals affected with CFH-related conditions. ClinVar contains an entry for this variant (Variation ID: 1060566). An algorithm developed to predict the effect of missense changes on protein structure and function (PolyPhen-2) suggests that this variant is likely to be tolerated. In summary, the available evidence is currently insufficient to determine the role of this variant in disease. Therefore, it has been classified as a Variant of Uncertain Significance.

Ambry Genetics
Classification: Likely benign for Inborn genetic diseases. Last evaluated: 2024-05-07. Review status: criteria provided, single submitter. Criteria: Ambry Variant Classification Scheme 2023. Collection method: clinical testing. Allele origin: germline.